The following is an entry in ClinVar:

NM_001009944.3(PKD1):c.3162-1G>C

Gene: PKD1 (polycystin 1, transient receptor potential channel interacting; minus strand). Cytogenetic location: 16p13.3.
Variant type: single nucleotide variant.
Coding change: c.3162-1G>C on transcript NM_001009944.3 (MANE Select); the canonical splice acceptor site of the intron before coding-DNA position 3162, G replaced by C.
Molecular consequence: splice acceptor variant.
Genome position (GRCh38, 1-based): chr16:2,112,474, C>G on the plus strand (G>C on the coding strand, the complement: PKD1 is on the minus strand). VCF-style: chr16-2112474-C-G. GRCh37 (hg19) VCF-style: chr16-2162475-C-G.
Other names: c.3162-1G>C (NM_000296.4).
Identifiers: ClinVar variation 1806298 (VCV001806298.4), dbSNP rs2544837759, ClinGen allele CA394383810.

ClinVar aggregate classification (germline): Pathogenic/Likely pathogenic. Review status: criteria provided, multiple submitters, no conflicts (2 of 4 stars). 2 submissions from 2 submitters: Pathogenic (1); Likely pathogenic (1). Last evaluated 2025-04-16.

Conditions:
Polycystic kidney disease, adult type (PKD1). Also called: POLYCYSTIC KIDNEY DISEASE, ADULT, TYPE I; Polycystic Kidney, Autosomal Dominant; Polycystic Kidney Disease 1, Autosomal Dominant; Polycystic kidney disease 1; Polycystic kidney disease 1, severe; POLYCYSTIC KIDNEY DISEASE 1 WITH OR WITHOUT POLYCYSTIC LIVER DISEASE. Identifiers: MedGen C3149841, MONDO:0008263, OMIM 173900.

Submissions (2):

Victorian Clinical Genetics Services, Murdoch Childrens Research Institute
Classification: Pathogenic for Polycystic kidney disease, adult type. Last evaluated: 2025-04-16. Review status: criteria provided, single submitter. Criteria: ACMG Guidelines, 2015. Collection method: clinical testing. Allele origin: germline. Affected: yes.
Comment: This variant is classified as Pathogenic. Evidence in support of pathogenic classification: Canonical splice site variant without proven consequence on splicing (no functional evidence available); Variant is absent from gnomAD (both v2 and v3); This variant has limited previous evidence of pathogenicity in an unrelated individual(s). This variant has been classified as likely pathogenic by a clinical laboratory in ClinVar; Other splice variant(s) comparable to the one identified in this case have very strong previous evidence for pathogenicity. c.3162-1G>A and c.3162-1G>T have been classified as pathogenic by clinical laboratories in ClinVar. In addition, c.3162-2A>G and c.3162-2A>T have been reported in multiple individuals with polycystic kidney disease (PMIDs: 12070253, 10612835, 17582161); Abnormal splicing is predicted by in silico tools and affected nucleotide is highly conserved. Additional information: This variant is heterozygous; This gene is associated with autosomal dominant disease. Polycystic kidney disease 1 is predominantly caused by monoallelic variants, with rare reports of biallelic variants causing disease (OMIM); No published segregation evidence has been identified for this variant; No published functional evidence has been identified for this variant; Loss of function is a known mechanism of disease in this gene and is associated with polycystic kidney disease 1 (MIM#173900); Inheritance information for this variant is not currently available in this individual.

Fulgent Genetics
Classification: Likely pathogenic for Polycystic kidney disease, adult type. Last evaluated: 2024-06-10. Review status: criteria provided, single submitter. Criteria: ACMG Guidelines, 2015. Collection method: clinical testing. Allele origin: germline.

Literature cited by the submitters: PubMed 12070253 (cited by Victorian Clinical Genetics Services, Murdoch Childrens Research Institute); PubMed 17582161 (cited by Victorian Clinical Genetics Services, Murdoch Childrens Research Institute); PubMed 10612835 (cited by Victorian Clinical Genetics Services, Murdoch Childrens Research Institute).